The following is an entry in ClinVar:

NM_001845.6(COL4A1):c.2285T>G (p.Val762Gly)

Gene: COL4A1 (collagen type IV alpha 1 chain; minus strand). Cytogenetic location: 13q34.
Variant type: single nucleotide variant.
Coding change: c.2285T>G on transcript NM_001845.6 (MANE Select); coding-DNA position 2285, T replaced by G.
Protein change: p.Val762Gly; replaces valine 762 with glycine.
Molecular consequence: missense variant.
Genome position (GRCh38, 1-based): chr13:110,179,330, A>C on the plus strand (T>G on the coding strand, the complement: COL4A1 is on the minus strand). VCF-style: chr13-110179330-A-C. GRCh37 (hg19) VCF-style: chr13-110831677-A-C.
Other names: short protein forms V762G.
Identifiers: ClinVar variation 3393729 (VCV003393729.2).

ClinVar aggregate classification (germline): Uncertain significance. Review status: criteria provided, multiple submitters, no conflicts (2 of 4 stars). 2 submissions from 2 submitters: Uncertain significance (2). Last evaluated 2025-09-23.

Submissions (2):

Labcorp Genetics (formerly Invitae), Labcorp
Classification: Uncertain significance. Last evaluated: 2025-09-23. Review status: criteria provided, single submitter. Criteria: Invitae Variant Classification Sherloc (09022015). Collection method: clinical testing. Allele origin: germline.
Comment: This sequence change replaces valine, which is neutral and non-polar, with glycine, which is neutral and non-polar, at codon 762 of the COL4A1 protein (p.Val762Gly). This variant is not present in population databases (gnomAD no frequency). This variant has not been reported in the literature in individuals affected with COL4A1-related conditions. ClinVar contains an entry for this variant (Variation ID: 3393729). Invitae Evidence Modeling of protein sequence and biophysical properties (such as structural, functional, and spatial information, amino acid conservation, physicochemical variation, residue mobility, and thermodynamic stability) indicates that this missense variant is not expected to disrupt COL4A1 protein function with a negative predictive value of 95%. In summary, the available evidence is currently insufficient to determine the role of this variant in disease. Therefore, it has been classified as a Variant of Uncertain Significance.

GeneDx
Classification: Uncertain significance. Last evaluated: 2024-07-03. Review status: criteria provided, single submitter. Criteria: GeneDx Variant Classification Process June 2021. Collection method: clinical testing. Allele origin: germline. Affected: yes.
Comment: Not observed at significant frequency in large population cohorts (gnomAD); In silico analysis indicates that this missense variant does not alter protein structure/function; Has not been previously published as pathogenic or benign to our knowledge; Occurs in the triple helical domain at the X position in the canonical Gly-X-Y repeat; although this variant may have an effect on normal protein folding and function, missense substitution at the X position is not a common mechanism of disease